The following is an entry in ClinVar:

NM_139057.4(ADAMTS17):c.2344_2345del (p.Val782fs)

Gene: ADAMTS17 (ADAM metallopeptidase with thrombospondin type 1 motif 17; minus strand). Cytogenetic location: 15q26.3.
Variant type: Deletion.
Coding change: c.2344_2345del on transcript NM_139057.4 (MANE Select); coding-DNA positions 2344 to 2345, 2 bases deleted (GT; older notation c.2344_2345delGT).
Protein change: p.Val782fs; shifts the reading frame from valine 782.
Molecular consequence: frameshift variant.
Genome position (GRCh38, 1-based): chr15:100,051,682-100,051,683, AC deleted on the plus strand (GT on the coding strand, the reverse complement: ADAMTS17 is on the minus strand); deleting any 2 consecutive bases within chr15:100,051,682-100,051,684 gives the same sequence; the c. name uses the placement nearest the transcript's 3' end. VCF-style (leftmost placement, unchanged base first): chr15-100051681-AAC-A. GRCh37 (hg19) VCF-style: chr15-100591886-AAC-A.
Other names: short protein forms V782fs.
Identifiers: ClinVar variation 4723560 (VCV004723560.1).
Genomic context (GRCh38, chr15:100,051,681, plus strand): 5'-GAACAAAGAGTCCTGCGGTTTTTCTGGTTCGCTTTGATTTTCCGCAGTGCGGTTTACAGG[AAC>A]AGTGTATTCATAATGAATTCCATAATCTTGGTCGTGAAATAACAACACCTGGATCAGCCG-3'

ClinVar aggregate classification (germline): Pathogenic (1 of 4 stars; one submission).

Submission:

Labcorp Genetics (formerly Invitae), Labcorp
Classification: Pathogenic. Last evaluated: 2025-07-21. Review status: criteria provided, single submitter. Criteria: Invitae Variant Classification Sherloc (09022015). Collection method: clinical testing. Allele origin: germline.
Comment: This sequence change creates a premature translational stop signal (p.Val782Serfs*60) in the ADAMTS17 gene. It is expected to result in an absent or disrupted protein product. Loss-of-function variants in ADAMTS17 are known to be pathogenic (PMID: 19836009, 24940034). This variant is not present in population databases (gnomAD no frequency). This variant has not been reported in the literature in individuals affected with ADAMTS17-related conditions. For these reasons, this variant has been classified as Pathogenic.

Literature cited by the submitters: PubMed 19836009; PubMed 24940034.